The following is an entry in ClinVar:

NM_000719.7(CACNA1C):c.4003C>T (p.Arg1335Cys)

Gene: CACNA1C (calcium voltage-gated channel subunit alpha1 C; plus strand). Cytogenetic location: 12p13.33.
Variant type: single nucleotide variant.
Coding change: c.4003C>T on transcript NM_000719.7 (MANE Select); coding-DNA position 4003, C replaced by T.
Protein change: p.Arg1335Cys; replaces arginine 1335 with cysteine.
Molecular consequence: missense variant.
Genome position (GRCh38, 1-based): chr12:2,651,697, C>T. VCF-style: chr12-2651697-C-T. GRCh37 (hg19) VCF-style: chr12-2760863-C-T.
Other names: c.4147C>T, p.Arg1383Cys (NM_001129827.2, NM_199460.4); c.4069C>T, p.Arg1357Cys (NM_001129829.2); c.4003C>T, p.Arg1335Cys (NM_001129830.3, NM_001129833.2, NM_001129834.2 and 7 more transcripts); c.4087C>T, p.Arg1363Cys (NM_001129831.2); c.4063C>T, p.Arg1355Cys (NM_001129832.2); c.4054C>T, p.Arg1352Cys (NM_001129836.2); c.3970C>T, p.Arg1324Cys (NM_001129837.2, NM_001129838.2, NM_001129846.2 and 1 more transcripts); c.3964C>T, p.Arg1322Cys (NM_001129839.2); and 1 more; short protein forms R1322C, R1324C, R1332C, R1335C, R1352C, R1355C, R1357C, R1363C.
Identifiers: ClinVar variation 4292773 (VCV004292773.2).

ClinVar aggregate classification (germline): Uncertain significance. Review status: criteria provided, multiple submitters, no conflicts (2 of 4 stars). 2 submissions from 2 submitters: Uncertain significance (2). Last evaluated 2024-10-15.

Conditions:
Neurodevelopmental disorder with hypotonia, language delay, and skeletal defects with or without seizures (NEDHLSS). Identifiers: MedGen C5774213, MONDO:0859286, OMIM 620029.

Submissions (2):

3billion
Classification: Uncertain significance for Neurodevelopmental disorder with hypotonia, language delay, and skeletal defects with or without seizures. Last evaluated: 2024-10-15. Review status: criteria provided, single submitter. Criteria: ACMG Guidelines, 2015. Collection method: clinical testing. Allele origin: germline. Affected: yes.
Comment: The variant is not observed in the gnomAD v4.1.0 dataset. Predicted Consequence/Location: Missense variant. Missense changes are a common disease-causing mechanism. In silico tool predictions suggest damaging effect of the variant on gene or gene product [REVEL: 0.94 (>=0.6, sensitivity 0.68 and specificity 0.92); 3Cnet: 0.95 (>=0.6, sensitivity 0.72 and precision 0.9)]. Different missensechanges at the same codon have been reported as of uncertain significance (ClinVar ID: VCV002626956). Therefore, this variant is classified as VUS according to the recommendation of ACMG/AMP guideline.

Blueprint Genetics
Classification: Uncertain significance. Last evaluated: 2022-07-12. Review status: criteria provided, single submitter. Criteria: ACMG Guidelines, 2015. Collection method: clinical testing. Allele origin: germline.